The following is an entry in ClinVar:

NM_000548.5(TSC2):c.5191A>G (p.Asn1731Asp)

Gene: TSC2 (TSC complex subunit 2; plus strand). Cytogenetic location: 16p13.3.
Variant type: single nucleotide variant.
Coding change: c.5191A>G on transcript NM_000548.5 (MANE Select); coding-DNA position 5191, A replaced by G.
Protein change: p.Asn1731Asp; replaces asparagine 1731 with aspartic acid.
Molecular consequence: missense variant.
Genome position (GRCh38, 1-based): chr16:2,088,257, A>G. VCF-style: chr16-2088257-A-G. GRCh37 (hg19) VCF-style: chr16-2138258-A-G.
Other names: c.4990A>G, p.Asn1664Asp (NM_001077183.3); c.5122A>G, p.Asn1708Asp (NM_001114382.3); c.4882A>G, p.Asn1628Asp (NM_001318827.2); c.4846A>G, p.Asn1616Asp (NM_001318829.2); c.4459A>G, p.Asn1487Asp (NM_001318831.2); c.5023A>G, p.Asn1675Asp (NM_001318832.2); c.4993A>G, p.Asn1665Asp (NM_001363528.2); c.5059A>G, p.Asn1687Asp (NM_001370404.1); and 2 more; short protein forms N1731D, N1487D, N1616D, N1665D, N1688D, N1628D, N1675D, N1664D.
Identifiers: ClinVar variation 449584 (VCV000449584.9), dbSNP rs1555440500, ClinGen allele CA394314156.
Genomic context (GRCh38, chr16:2,088,257, plus strand): 5'-AGTGAGCTCACCCCCTGCCTACGTCCCCAGATGGCCTCACAGGTGCATCATAGCCGCTCC[A>G]ACCCCACCGATATCTACCCCTCCAAGTGGATTGCCCGGCTCCGCCACATCAAGCGGCTCC-3'
Protein context (NP_000539.2, residues 1721-1741): MASQVHHSRS[Asn1731Asp]PTDIYPSKWI

ClinVar aggregate classification (germline): Uncertain significance. Review status: criteria provided, multiple submitters, no conflicts (2 of 4 stars). 3 submissions from 3 submitters: Uncertain significance (3). Last evaluated 2025-05-16.

Conditions:
Hereditary cancer-predisposing syndrome. Also called: Tumor predisposition; Hereditary Cancer Syndrome; Neoplastic Syndromes, Hereditary; Hereditary neoplastic syndrome. Identifiers: Orphanet 140162, MedGen C0027672, MeSH D009386, MONDO:0015356.
Tuberous sclerosis 2 (TSC2). Identifiers: Orphanet 805, MedGen C1860707, MONDO:0013199, OMIM 613254.

Allele frequency attached by ClinVar (database versions not stated): gnomAD 0.00001.

Submissions (3):

Ambry Genetics
Classification: Uncertain significance for Hereditary cancer-predisposing syndrome. Last evaluated: 2025-05-16. Review status: criteria provided, single submitter. Criteria: Ambry Variant Classification Scheme 2023. Collection method: clinical testing. Allele origin: germline.
Comment: The p.N1731D variant (also known as c.5191A>G), located in coding exon 40 of the TSC2 gene, results from an A to G substitution at nucleotide position 5191. The asparagine at codon 1731 is replaced by aspartic acid, an amino acid with highly similar properties. This amino acid position is conserved. In addition, the in silico prediction for this alteration is inconclusive. Since supporting evidence is limited at this time, the clinical significance of this alteration remains unclear.

Labcorp Genetics (formerly Invitae), Labcorp
Classification: Uncertain significance for Tuberous sclerosis 2. Last evaluated: 2025-01-29. Review status: criteria provided, single submitter. Criteria: Invitae Variant Classification Sherloc (09022015). Collection method: clinical testing. Allele origin: germline.
Comment: This sequence change replaces asparagine, which is neutral and polar, with aspartic acid, which is acidic and polar, at codon 1731 of the TSC2 protein (p.Asn1731Asp). This variant is not present in population databases (gnomAD no frequency). This variant has not been reported in the literature in individuals affected with TSC2-related conditions. ClinVar contains an entry for this variant (Variation ID: 449584). Invitae Evidence Modeling of protein sequence and biophysical properties (such as structural, functional, and spatial information, amino acid conservation, physicochemical variation, residue mobility, and thermodynamic stability) indicates that this missense variant is not expected to disrupt TSC2 protein function with a negative predictive value of 95%. In summary, the available evidence is currently insufficient to determine the role of this variant in disease. Therefore, it has been classified as a Variant of Uncertain Significance.

GeneDx
Classification: Uncertain significance. Last evaluated: 2018-09-11. Review status: criteria provided, single submitter. Criteria: GeneDx Variant Classification (06012015). Collection method: clinical testing. Allele origin: germline. Affected: yes.
Comment: The N1731D variant in the TSC2 gene has not been reported previously as a pathogenic variant, noras a benign variant, to our knowledge. The N1731D variant was not observed in approximately 6,500individuals of European and African American ancestry in the NHLBI Exome Sequencing Project,indicating it is not a common benign variant in these populations. The N1731D variant is asemi-conservative amino acid substitution, which may impact secondary protein structure as theseresidues differ in some properties. This substitution occurs at a position where amino acids with similarproperties to Asparagine are tolerated across species. In silico analysis is inconsistent in its predictionsas to whether or not the variant is damaging to the protein structure/function. We interpret N1731Das a variant of uncertain significance.